The following is an entry in ClinVar:

ClinVar aggregate classification (germline): Pathogenic (1 of 4 stars; one submission).

Conditions:
Werner syndrome (WRN). Identifiers: Orphanet 902, MedGen C0043119, MONDO:0010196, OMIM 277700.

Submission:

Labcorp Genetics (formerly Invitae), Labcorp
Classification: Pathogenic for Werner syndrome. Last evaluated: 2025-10-01. Review status: criteria provided, single submitter. Criteria: Invitae Variant Classification Sherloc (09022015). Collection method: clinical testing. Allele origin: germline.
Comment: This sequence change creates a premature translational stop signal (p.Cys171Asnfs*16) in the WRN gene. It is expected to result in an absent or disrupted protein product. Loss-of-function variants in WRN are known to be pathogenic (PMID: 16673358). This variant is not present in population databases (gnomAD no frequency). This variant has not been reported in the literature in individuals affected with WRN-related conditions. ClinVar contains an entry for this variant (Variation ID: 528158). For these reasons, this variant has been classified as Pathogenic.

Literature cited by the submitters: PubMed 16673358.

NM_000553.6(WRN):c.509_510dup (p.Cys171fs)

Gene: WRN (WRN RecQ like helicase; plus strand). Cytogenetic location: 8p12.
Variant type: Duplication.
Coding change: c.509_510dup on transcript NM_000553.6 (MANE Select); coding-DNA positions 509 to 510, 2 bases duplicated (AA; older notation c.509_510dupAA).
Protein change: p.Cys171fs; shifts the reading frame from cysteine 171.
Molecular consequence: frameshift variant.
Genome position (GRCh38, 1-based): chr8:31,067,037-31,067,038, AA duplicated; duplicating any 2 consecutive bases within chr8:31,067,036-31,067,038 gives the same sequence; the c. name uses the placement nearest the transcript's 3' end. VCF-style (leftmost placement, unchanged base first): chr8-31067035-G-GAA. GRCh37 (hg19) VCF-style: chr8-30924551-G-GAA.
Other names: c.509_510dupAA (NM_000553.4); short protein forms C171fs.
Identifiers: ClinVar variation 528158 (VCV000528158.7), dbSNP rs1554519254, ClinGen allele CA658797074.
Genomic context (GRCh38, chr8:31,067,035, plus strand): 5'-TTGGTAATACCTGAAAACAGGAACTGATTTTACTGTGTTGCTTTTTCATCATTTCTAGCT[G>GAA]AAATGCACAGAGACCTGGAGCCTTAACAGTCTGGTTAAACACCTCTTAGGTAAACAGCTC-3'